The following is an entry in ClinVar:

ClinVar aggregate classification (germline): Uncertain significance (1 of 4 stars; one submission).

gnomAD v4.1: 1 of 1,613,828 alleles (0.000062%); highest among the groups gnomAD compares: Non-Finnish European, 0.000085%; no homozygotes.

Submission:

Labcorp Genetics (formerly Invitae), Labcorp
Classification: Uncertain significance. Last evaluated: 2024-05-08. Review status: criteria provided, single submitter. Criteria: Invitae Variant Classification Sherloc (09022015). Collection method: clinical testing. Allele origin: germline.
Comment: This sequence change replaces tyrosine, which is neutral and polar, with cysteine, which is neutral and slightly polar, at codon 1806 of the ITPR1 protein (p.Tyr1806Cys). This variant is not present in population databases (gnomAD no frequency). This variant has not been reported in the literature in individuals affected with ITPR1-related conditions. Advanced modeling of protein sequence and biophysical properties (such as structural, functional, and spatial information, amino acid conservation, physicochemical variation, residue mobility, and thermodynamic stability) has been performed at Invitae for this missense variant, however the output from this modeling did not meet the statistical confidence thresholds required to predict the impact of this variant on ITPR1 protein function. In summary, the available evidence is currently insufficient to determine the role of this variant in disease. Therefore, it has been classified as a Variant of Uncertain Significance.

NM_001378452.1(ITPR1):c.5606A>G (p.Tyr1869Cys)

Gene: ITPR1 (inositol 1,4,5-trisphosphate receptor type 1; plus strand). Cytogenetic location: 3p26.1.
Variant type: single nucleotide variant.
Coding change: c.5606A>G on transcript NM_001378452.1 (MANE Select); coding-DNA position 5606, A replaced by G.
Protein change: p.Tyr1869Cys; replaces tyrosine 1869 with cysteine.
Molecular consequence: missense variant.
Genome position (GRCh38, 1-based): chr3:4,766,591, A>G. VCF-style: chr3-4766591-A-G. GRCh37 (hg19) VCF-style: chr3-4808275-A-G.
Other names: c.5462A>G, p.Tyr1821Cys (NM_001099952.4); c.5561A>G, p.Tyr1854Cys (NM_001168272.2); c.5417A>G, p.Tyr1806Cys (NM_002222.7); short protein forms Y1806C, Y1854C, Y1869C, Y1821C.
Identifiers: ClinVar variation 3690973 (VCV003690973.2).